The following is an entry in ClinVar:

ClinVar aggregate classification (germline): Uncertain significance. Review status: criteria provided, multiple submitters, no conflicts (2 of 4 stars). 2 submissions from 2 submitters: Uncertain significance (2). Last evaluated 2024-07-22.

Conditions:
Inborn genetic diseases. Identifiers: MedGen C0950123, MeSH D030342.

Allele frequency attached by ClinVar (database versions not stated): gnomAD exomes 0.00001; ExAC 0.00003; gnomAD 0.00006 and 0.00007; TOPMed 0.00006.

Submissions (2):

Labcorp Genetics (formerly Invitae), Labcorp
Classification: Uncertain significance. Last evaluated: 2024-07-22. Review status: criteria provided, single submitter. Criteria: Invitae Variant Classification Sherloc (09022015). Collection method: clinical testing. Allele origin: germline.
Comment: This sequence change replaces lysine, which is basic and polar, with glutamic acid, which is acidic and polar, at codon 1821 of the MPDZ protein (p.Lys1821Glu). This variant is present in population databases (rs765193120, gnomAD 0.02%). This variant has not been reported in the literature in individuals affected with MPDZ-related conditions. ClinVar contains an entry for this variant (Variation ID: 1374732). An algorithm developed to predict the effect of missense changes on protein structure and function (PolyPhen-2) suggests that this variant¬†is likely to be tolerated. In summary, the available evidence is currently insufficient to determine the role of this variant in disease. Therefore, it has been classified as a Variant of Uncertain Significance.

Ambry Genetics
Classification: Uncertain significance for Inborn genetic diseases. Last evaluated: 2024-01-17. Review status: criteria provided, single submitter. Criteria: Ambry Variant Classification Scheme 2023. Collection method: clinical testing. Allele origin: germline.

NM_001378778.1(MPDZ):c.5548A>G (p.Lys1850Glu)

Gene: MPDZ (multiple PDZ domain crumbs cell polarity complex component; minus strand). Cytogenetic location: 9p23.
Variant type: single nucleotide variant.
Coding change: c.5548A>G on transcript NM_001378778.1 (MANE Select); coding-DNA position 5548, A replaced by G.
Protein change: p.Lys1850Glu; replaces lysine 1850 with glutamic acid.
Molecular consequence: missense variant.
Genome position (GRCh38, 1-based): chr9:13,113,940, T>C on the plus strand (A>G on the coding strand, the complement: MPDZ is on the minus strand). VCF-style: chr9-13113940-T-C. GRCh37 (hg19) VCF-style: chr9-13113939-T-C.
Other names: c.5449A>G, p.Lys1817Glu (NM_001261406.2, NM_001375416.1, NM_001375417.1 and 1 more transcripts); c.5362A>G, p.Lys1788Glu (NM_001261407.2, NM_001375419.1); c.5548A>G, p.Lys1850Glu (NM_001330637.2); c.5647A>G, p.Lys1883Glu (NM_001375413.1); c.5338A>G, p.Lys1780Glu (NM_001375420.1, NM_001375421.1, NM_001375422.1 and 2 more transcripts); c.5251A>G, p.Lys1751Glu (NM_001375425.1, NM_001375426.1); c.5140A>G, p.Lys1714Glu (NM_001375427.1); c.5461A>G, p.Lys1821Glu (NM_003829.5); and 1 more; short protein forms K1714E, K1751E, K1780E, K1788E, K1817E, K1821E, K1850E, K1883E.
Identifiers: ClinVar variation 1374732 (VCV001374732.8), dbSNP rs765193120, ClinGen allele CA4986232.